The following is an entry in ClinVar:

NM_006015.6(ARID1A):c.446G>A (p.Gly149Asp)

Gene: ARID1A (AT-rich interaction domain 1A; plus strand). Cytogenetic location: 1p36.11.
Variant type: single nucleotide variant.
Coding change: c.446G>A on transcript NM_006015.6 (MANE Select); coding-DNA position 446, G replaced by A.
Protein change: p.Gly149Asp; replaces glycine 149 with aspartic acid.
Molecular consequence: missense variant.
Genome position (GRCh38, 1-based): chr1:26,696,849, G>A. VCF-style: chr1-26696849-G-A. GRCh37 (hg19) VCF-style: chr1-27023340-G-A.
Other names: c.446G>A, p.Gly149Asp (NM_139135.4); short protein forms G149D.
Identifiers: ClinVar variation 871132 (VCV000871132.42), dbSNP rs2080267760, ClinGen allele CA339265240.

ClinVar aggregate classification (germline): Uncertain significance. Review status: criteria provided, multiple submitters, no conflicts (2 of 4 stars). 2 submissions from 2 submitters: Uncertain significance (2). Last evaluated 2026-01-11.

Submissions (2):

Labcorp Genetics (formerly Invitae), Labcorp
Classification: Uncertain significance. Last evaluated: 2026-01-11. Review status: criteria provided, single submitter. Criteria: Invitae Variant Classification Sherloc (09022015). Collection method: clinical testing. Allele origin: germline.
Comment: This sequence change replaces glycine, which is neutral and non-polar, with aspartic acid, which is acidic and polar, at codon 149 of the ARID1A protein (p.Gly149Asp). This variant is not present in population databases (gnomAD no frequency). This variant has not been reported in the literature in individuals affected with ARID1A-related conditions. ClinVar contains an entry for this variant (Variation ID: 871132). Invitae Evidence Modeling of protein sequence and biophysical properties (such as structural, functional, and spatial information, amino acid conservation, physicochemical variation, residue mobility, and thermodynamic stability) indicates that this missense variant is not expected to disrupt ARID1A protein function with a negative predictive value of 95%. In summary, the available evidence is currently insufficient to determine the role of this variant in disease. Therefore, it has been classified as a Variant of Uncertain Significance.

CeGaT Center for Human Genetics Tuebingen
Classification: Uncertain significance. Last evaluated: 2019-10-01. Review status: criteria provided, single submitter. Criteria: CeGaT Center For Human Genetics Tuebingen Variant Classification Criteria Version 2. Collection method: clinical testing. Allele origin: germline. Affected: yes. Observed: 1 variant allele.